The following is an entry in ClinVar:

NM_001035.3(RYR2):c.1939C>A (p.Arg647Ser)

Gene: RYR2 (ryanodine receptor 2; plus strand). Cytogenetic location: 1q43.
Variant type: single nucleotide variant.
Coding change: c.1939C>A on transcript NM_001035.3 (MANE Select); coding-DNA position 1939, C replaced by A.
Protein change: p.Arg647Ser; replaces arginine 647 with serine.
Molecular consequence: missense variant.
Genome position (GRCh38, 1-based): chr1:237,493,065, C>A. VCF-style: chr1-237493065-C-A. GRCh37 (hg19) VCF-style: chr1-237656365-C-A.
Other names: short protein forms R647S.
Identifiers: ClinVar variation 3949054 (VCV003949054.1).

ClinVar aggregate classification (germline): Uncertain significance (1 of 4 stars; one submission).

Conditions:
Cardiovascular phenotype. Identifiers: MedGen CN230736.

gnomAD v4.1: 5 of 1,613,638 alleles (0.00031%); highest among the groups gnomAD compares: Non-Finnish European, 0.00042%; no homozygotes.

Submission:

Ambry Genetics
Classification: Uncertain significance for Cardiovascular phenotype. Last evaluated: 2025-04-23. Review status: criteria provided, single submitter. Criteria: Ambry Variant Classification Scheme 2023. Collection method: clinical testing. Allele origin: germline.
Comment: The p.R647S variant (also known as c.1939C>A), located in coding exon 19 of the RYR2 gene, results from a C to A substitution at nucleotide position 1939. The arginine at codon 647 is replaced by serine, an amino acid with dissimilar properties. This amino acid position is well conserved in available vertebrate species. In addition, this alteration is predicted to be deleterious by in silico analysis. Based on the available evidence, the clinical significance of this variant remains unclear.